The following is an entry in ClinVar:

ClinVar aggregate classification (germline): Pathogenic (1 of 4 stars; one submission).

Conditions:
SLC35A2-congenital disorder of glycosylation. Also called: CONGENITAL DISORDER OF GLYCOSYLATION, TYPE IIm, SOMATIC MOSAIC; DEVELOPMENTAL AND EPILEPTIC ENCEPHALOPATHY 22; EPILEPTIC ENCEPHALOPATHY, EARLY INFANTILE, 22; SLC35A2-CDG; CONGENITAL DISORDER OF GLYCOSYLATION, TYPE IIm; CDG IIm. Identifiers: Orphanet 356961, MedGen C3806688, MONDO:0010478, OMIM 300896.

Submission:

Labcorp Genetics (formerly Invitae), Labcorp
Classification: Pathogenic for SLC35A2-congenital disorder of glycosylation. Last evaluated: 2022-03-19. Review status: criteria provided, single submitter. Criteria: Invitae Variant Classification Sherloc (09022015). Collection method: clinical testing. Allele origin: germline.
Comment: For these reasons, this variant has been classified as Pathogenic. This variant disrupts a region of the SLC35A2 protein in which other variant(s) (p.Leu175Phe) have been determined to be pathogenic (PMID: 30653653, 30817854). This suggests that this is a clinically significant region of the protein, and that variants that disrupt it are likely to be disease-causing. This variant has not been reported in the literature in individuals affected with SLC35A2-related conditions. This variant is not present in population databases (gnomAD no frequency). This sequence change creates a premature translational stop signal (p.Gln129*) in the SLC35A2 gene. While this is not anticipated to result in nonsense mediated decay, it is expected to disrupt the last 265 amino acid(s) of the SLC35A2 protein.

Literature cited by the submitters: PubMed 30653653; PubMed 30817854.

NM_005660.3(SLC35A2):c.385C>T (p.Gln129Ter)

Gene: SLC35A2 (solute carrier family 35 member A2; minus strand). Cytogenetic location: Xp11.23.
Variant type: single nucleotide variant.
Coding change: c.385C>T on transcript NM_005660.3 (MANE Select); coding-DNA position 385, C replaced by T.
Protein change: p.Gln129Ter; replaces glutamine 129 with a stop codon.
Molecular consequence: nonsense.
Genome position (GRCh38, 1-based): chrX:48,906,433, G>A on the plus strand (C>T on the coding strand, the complement: SLC35A2 is on the minus strand). VCF-style: chrX-48906433-G-A. GRCh37 (hg19) VCF-style: chrX-48763710-G-A.
Other names: c.385C>T, p.Gln129Ter (NM_001032289.3, NM_001042498.3, NM_001282647.2); c.313C>T, p.Gln105Ter (NM_001282648.2); c.202C>T, p.Gln68Ter (NM_001282649.2); c.424C>T, p.Gln142Ter (NM_001282650.2); c.469C>T, p.Gln157Ter (NM_001282651.2); short protein forms Q129*, Q157*, Q68*, Q142*, Q105*.
Identifiers: ClinVar variation 1449566 (VCV001449566.6), dbSNP rs2147489558, ClinGen allele CA412896507.